The following is an entry in ClinVar:

NM_001999.4(FBN2):c.4222+5G>A

Gene: FBN2 (fibrillin 2; minus strand). Cytogenetic location: 5q23.3.
Variant type: single nucleotide variant.
Coding change: c.4222+5G>A on transcript NM_001999.4 (MANE Select); 5 bases into the intron after coding-DNA position 4222, G replaced by A.
Molecular consequence: intron variant.
Genome position (GRCh38, 1-based): chr5:128,332,907, C>T on the plus strand (G>A on the coding strand, the complement: FBN2 is on the minus strand). VCF-style: chr5-128332907-C-T. GRCh37 (hg19) VCF-style: chr5-127668599-C-T.
Identifiers: ClinVar variation 449443 (VCV000449443.7), dbSNP rs1554122550, ClinGen allele CA658657486.

ClinVar aggregate classification (germline): Pathogenic. Review status: criteria provided, multiple submitters, no conflicts (2 of 4 stars). 2 submissions from 2 submitters: Pathogenic (2). Last evaluated 2022-10-07.

Conditions:
Congenital contractural arachnodactyly (CCA). Also called: Beals-Hecht syndrome; Arthrogryposis, distal, type 9; BEALS SYNDROME. Identifiers: Orphanet 115, MedGen C0220668, MONDO:0007363, OMIM 121050.

Submissions (2):

Labcorp Genetics (formerly Invitae), Labcorp
Classification: Pathogenic for Congenital contractural arachnodactyly. Last evaluated: 2022-10-07. Review status: criteria provided, single submitter. Criteria: Invitae Variant Classification Sherloc (09022015). Collection method: clinical testing. Allele origin: germline.
Comment: For these reasons, this variant has been classified as Pathogenic. This variant affects a cysteine residue located within an epidermal growth factor (EGF)–like domain of the FBN2 protein. Cysteine residues in these domains are involved in the formation of disulfide bridges critical for protein structure and stability (PMID: 3495735, 4750422, 16677079). In addition, missense substitutions within the FBN2 EGF-like domains affecting cysteine residues are overrepresented in patients with congenital contractural arachnodactyly (PMID: 18767143). Variants that disrupt the consensus splice site are a relatively common cause of aberrant splicing (PMID: 17576681, 9536098). Studies have shown that this variant results in skipping of exon 32, but is expected to preserve the integrity of the reading-frame (PMID: 15121784). ClinVar contains an entry for this variant (Variation ID: 449443). This variant has been observed in individual(s) with congenital contractural arachnodactyly (PMID: 15121784). It has also been observed to segregate with disease in related individuals. This variant is not present in population databases (gnomAD no frequency). This sequence change falls in intron 32 of the FBN2 gene. It does not directly change the encoded amino acid sequence of the FBN2 protein. RNA analysis indicates that this variant induces altered splicing and likely results in a shortened protein product.

GeneDx
Classification: Pathogenic. Last evaluated: 2017-07-12. Review status: criteria provided, single submitter. Criteria: GeneDx Variant Classification (06012015). Collection method: clinical testing. Allele origin: germline. Affected: yes.
Comment: The c.4222+5G>A variant in the FBN2 gene has been reported previously in association with congenital contractural arachnodactyly including variable aortic root dilatation (Gupta et al., 2004; Takeda et al., 2015). This splice site variant destroys the canonical splice donor site in intron 32, and has been shown to result in a transcript that is lacking exon 32 (Gupta et al., 2004; Takeda et al., 2015). The c.4222+5G>A variant is not observed in large population cohorts (Lek et al., 2016; 1000 Genomes Consortium et al., 2015; Exome Variant Server). We interpret c.4222+5G>A as a pathogenic variant.

Literature cited by the submitters: PubMed 3495735 (cited by Labcorp Genetics (formerly Invitae), Labcorp); PubMed 4750422 (cited by Labcorp Genetics (formerly Invitae), Labcorp); PubMed 16677079 (cited by Labcorp Genetics (formerly Invitae), Labcorp); PubMed 18767143 (cited by Labcorp Genetics (formerly Invitae), Labcorp); PubMed 17576681 (cited by Labcorp Genetics (formerly Invitae), Labcorp); PubMed 9536098 (cited by Labcorp Genetics (formerly Invitae), Labcorp); PubMed 15121784 (cited by Labcorp Genetics (formerly Invitae), Labcorp).